The following is an entry in ClinVar:

NM_001261826.3(AP3D1):c.3498C>T (p.Ala1166=)

Gene: AP3D1 (adaptor related protein complex 3 subunit delta 1; minus strand). Cytogenetic location: 19p13.3.
Variant type: single nucleotide variant.
Coding change: c.3498C>T on transcript NM_001261826.3 (MANE Select); coding-DNA position 3498, C replaced by T.
Protein change: p.Ala1166=; no amino-acid change (alanine 1166 retained).
Molecular consequence: synonymous variant.
Genome position (GRCh38, 1-based): chr19:2,108,741, G>A on the plus strand (C>T on the coding strand, the complement: AP3D1 is on the minus strand). VCF-style: chr19-2108741-G-A. GRCh37 (hg19) VCF-style: chr19-2108740-G-A.
Other names: p.Ala1166=; c.3462C>T, p.Ala1154= (NM_001374799.1); c.3312C>T, p.Ala1104= (NM_003938.8).
Identifiers: ClinVar variation 1284813 (VCV001284813.36), dbSNP rs553536480, ClinGen allele CA9058348.
Genomic context (GRCh38, chr19:2,108,741, plus strand): 5'-GCTCACCTTTTTCACCAGGAGGCAGACATGGTGGCCCTGGATGGAGCGGCTGTACATGGA[G>A]GCGCAGGAGTCCACTCGCTCCACAACTGCAACAGAGCGGGCAGTGTTAGGCTTCCCGGAC-3'
Protein context (NP_001248755.1, residues 1156-1176): FSVVERVDSC[Ala1166=]SMYSRSIQGH

ClinVar aggregate classification (germline): Likely benign. Review status: criteria provided, multiple submitters, no conflicts (2 of 4 stars). 6 submissions from 6 submitters: Likely benign (4). 2 of the submissions do not count toward it. Last evaluated 2026-01-18.

Allele frequency attached by ClinVar (database versions not stated): gnomAD 0.00005 and 0.00012; gnomAD exomes 0.00012 and 0.00023; TOPMed 0.00017; ExAC 0.00041; 1000 Genomes Project 30x 0.00047; 1000 Genomes Project 0.00060.
gnomAD v4.1: 194 of 1,580,254 alleles (0.012%); highest among the groups gnomAD compares: South Asian, 0.16%; 2 homozygotes.

Submissions (6):

Labcorp Genetics (formerly Invitae), Labcorp
Classification: Likely benign. Last evaluated: 2026-01-18. Review status: criteria provided, single submitter. Criteria: Invitae Variant Classification Sherloc (09022015). Collection method: clinical testing. Allele origin: germline.

CeGaT Center for Human Genetics Tuebingen
Classification: Likely benign. Last evaluated: 2025-11-01. Review status: criteria provided, single submitter. Criteria: CeGaT Center For Human Genetics Tuebingen Variant Classification Criteria Version 2. Collection method: clinical testing. Allele origin: germline. Affected: yes. Observed: 2 variant alleles.
Comment: AP3D1: BP4, BP7

Blueprint Genetics
Classification: Likely benign. Last evaluated: 2024-09-19. Review status: criteria provided, single submitter. Criteria: ACMG Guidelines, 2015. Collection method: clinical testing. Allele origin: germline.

Mayo Clinic Laboratories, Mayo Clinic
Classification: Likely benign. Last evaluated: 2024-06-24. Review status: criteria provided, single submitter. Criteria: ACMG Guidelines, 2015. Collection method: clinical testing. Allele origin: germline. Observed: 1 variant allele.
Comment: BS1, BP4, BP7

Clinical Genetics DNA and cytogenetics Diagnostics Lab, Erasmus MC, Erasmus Medical Center
Classification: Likely benign. Review status: no assertion criteria provided. Collection method: clinical testing. Allele origin: germline. Affected: yes. Study: VKGL Data-share Consensus. Not counted in ClinVar's aggregate classification.

Clinical Genetics, Academic Medical Center
Classification: Benign. Review status: no assertion criteria provided. Collection method: clinical testing. Allele origin: germline. Affected: yes. Study: VKGL Data-share Consensus. Not counted in ClinVar's aggregate classification.